The following is an entry in ClinVar:

NM_001204.7(BMPR2):c.-927A>G

Gene: BMPR2 (bone morphogenetic protein receptor type 2; plus strand). Cytogenetic location: 2q33.1.
Variant type: single nucleotide variant.
Coding change: c.-927A>G on transcript NM_001204.7 (MANE Select); 927 bases upstream of the start codon, A replaced by G.
Molecular consequence: 5 prime UTR variant.
Genome position (GRCh38, 1-based): chr2:202,376,548, A>G. VCF-style: chr2-202376548-A-G. GRCh37 (hg19) VCF-style: chr2-203241271-A-G.
Other names: c.-927A>G (LRG_712t1).
Identifiers: ClinVar variation 333622 (VCV000333622.9), dbSNP rs530181389, ClinGen allele CA10612469.

ClinVar aggregate classification (germline): Benign/Likely benign. Review status: criteria provided, multiple submitters, no conflicts (2 of 4 stars). 3 submissions from 3 submitters: Benign (1); Likely benign (2). Last evaluated 2024-11-14.

Conditions:
Pulmonary hypertension, primary, 1 (PPH1). Also called: Pulmonary hypertension, familial primary, 1, with or without HHT. Identifiers: Orphanet 422, MedGen C4552070, MONDO:0024533, OMIM 178600.

Allele frequency attached by ClinVar (database versions not stated): 1000 Genomes Project 0.00280; 1000 Genomes Project 30x 0.00468; gnomAD 0.00592 and 0.00636.
gnomAD v4.1: 692 of 117,236 alleles (0.59%); highest among the groups gnomAD compares: Middle Eastern, 1.9%; 2 homozygotes.

Submissions (3):

Blueprint Genetics
Classification: Likely benign. Last evaluated: 2024-11-14. Review status: criteria provided, single submitter. Criteria: ACMG Guidelines, 2015. Collection method: clinical testing. Allele origin: germline.

GeneDx
Classification: Likely benign. Last evaluated: 2018-07-07. Review status: criteria provided, single submitter. Criteria: GeneDx Variant Classification Process June 2021. Collection method: clinical testing. Allele origin: germline. Affected: yes.

Illumina Laboratory Services, Illumina
Classification: Benign for Pulmonary hypertension, primary, 1. Last evaluated: 2018-01-13. Review status: criteria provided, single submitter. Criteria: ICSL Variant Classification Criteria 13 December 2019. Collection method: clinical testing. Allele origin: germline.
Comment: This variant was observed in the ICSL laboratory as part of a predisposition screen in an ostensibly healthy population. It had not been previously curated by ICSL or reported in the Human Gene Mutation Database (HGMD: prior to June 1st, 2018), and was therefore a candidate for classification through an automated scoring system. Utilizing variant allele frequency, disease prevalence and penetrance estimates, and inheritance mode, an automated score was calculated to assess if this variant is too frequent to cause the disease. Based on the score and internal cut-off values, a variant classified as benign is not then subjected to further curation. The score for this variant resulted in a classification of benign for this disease.